The following is an entry in ClinVar:

ClinVar aggregate classification (germline): Conflicting classifications of pathogenicity. Review status: criteria provided, conflicting classifications (1 of 4 stars). 2 submissions from 2 submitters: Uncertain significance (1); Likely benign (1). Last evaluated 2026-01-26.

Conditions:
Hereditary breast ovarian cancer syndrome. Also called: Hereditary breast and ovarian cancer; Hereditary breast and/or ovarian cancer syndrome; Hereditary breast and ovarian cancer syndrome; Hereditary breast and ovarian cancer syndrome (HBOC); BRCA1- and BRCA2-Associated Hereditary Breast and Ovarian Cancer; Breast and ovarian cancer. Identifiers: Orphanet 145, MedGen C0677776, MeSH D061325, MONDO:0003582. Disease mechanism: loss of function.
Hereditary cancer-predisposing syndrome. Also called: Tumor predisposition; Hereditary neoplastic syndrome; Neoplastic Syndromes, Hereditary; Hereditary Cancer Syndrome. Identifiers: Orphanet 140162, MedGen C0027672, MeSH D009386, MONDO:0015356.

Allele frequency attached by ClinVar (database versions not stated): TOPMed 0.00002.

Submissions (2):

Labcorp Genetics (formerly Invitae), Labcorp
Classification: Uncertain significance for Hereditary breast ovarian cancer syndrome. Last evaluated: 2026-01-26. Review status: criteria provided, single submitter. Criteria: Invitae Variant Classification Sherloc (09022015). Collection method: clinical testing. Allele origin: germline.
Comment: This sequence change replaces phenylalanine, which is neutral and non-polar, with serine, which is neutral and polar, at codon 1226 of the BRCA1 protein (p.Phe1226Ser). This variant is not present in population databases (gnomAD no frequency). This missense change has been observed in individual(s) with prostate cancer (PMID: 38311546). ClinVar contains an entry for this variant (Variation ID: 950939). Invitae Evidence Modeling of protein sequence and biophysical properties (such as structural, functional, and spatial information, amino acid conservation, physicochemical variation, residue mobility, and thermodynamic stability) indicates that this missense variant is expected to disrupt BRCA1 protein function with a positive predictive value of 80%. In summary, the available evidence is currently insufficient to determine the role of this variant in disease. Therefore, it has been classified as a Variant of Uncertain Significance.

University of Washington Department of Laboratory Medicine, University of Washington
Classification: Likely benign for Hereditary cancer-predisposing syndrome. Last evaluated: 2023-03-23. Review status: criteria provided, single submitter. Criteria: Dines et al. (Genet Med. 2020). Collection method: curation. Allele origin: germline.
Comment: Missense variant in a coldspot region where missense variants are very unlikely to be pathogenic (PMID:31911673).

BRCA1 coldspot (exon 11 using historical exon numbering). Reclassification based on statistical prior probability

Literature cited by the submitters: PubMed 38311546 (cited by Labcorp Genetics (formerly Invitae), Labcorp).

NM_007294.4(BRCA1):c.3677T>C (p.Phe1226Ser)

Genes: BRCA1 (BRCA1 DNA repair associated; minus strand), LOC126862571 (BRD4-independent group 4 enhancer GRCh37_chr17:41243136-41244335; plus strand). Cytogenetic location: 17q21.31.
Variant type: single nucleotide variant.
Coding change: c.3677T>C on transcript NM_007294.4 (MANE Select); coding-DNA position 3677, T replaced by C.
Protein change: p.Phe1226Ser; replaces phenylalanine 1226 with serine.
Molecular consequence: missense variant. On other transcripts: intron variant (135).
Genome position (GRCh38, 1-based): chr17:43,091,854, A>G on the plus strand (T>C on the coding strand, the complement: BRCA1 is on the minus strand). VCF-style: chr17-43091854-A-G. GRCh37 (hg19) VCF-style: chr17-41243871-A-G.
Other names: c.3536T>C, p.Phe1179Ser (NM_001407737.1, NM_001407738.1, NM_001407739.1 and 29 more transcripts); c.3533T>C, p.Phe1178Ser (NM_001407740.1, NM_001407741.1, NM_001407742.1 and 20 more transcripts); c.3464T>C, p.Phe1155Ser (NM_001407853.1, NM_001407894.1, NM_001407895.1 and 9 more transcripts); c.3677T>C, p.Phe1226Ser (NM_001407854.1, NM_001407858.1, NM_001407859.1 and 30 more transcripts); c.3674T>C, p.Phe1225Ser (NM_001407860.1, NM_001407861.1, NM_001407587.1 and 22 more transcripts); c.3476T>C, p.Phe1159Ser (NM_001407862.1); c.3554T>C, p.Phe1185Ser (NM_001407863.1, NM_001407919.1, NM_001407937.1 and 19 more transcripts); c.3473T>C, p.Phe1158Ser (NM_001407874.1, NM_001407875.1); and 41 more; short protein forms F1179S, F1226S, F1098S, F1099S, F1138S, F1184S, F358S, F930S.
Identifiers: ClinVar variation 950939 (VCV000950939.13), dbSNP rs1396926041, ClinGen allele CA10594613.
Genomic context (GRCh38, chr17:43,091,854, plus strand): 5'-GTGCTATGCCTAGTAGACTGAGAAGGTATATTGTTTACTTTACCAAATAACAAGTGTTGG[A>G]AGCAGGGAAGCTCTTCATCCTCACTAGATAAGTTCTCTTCTGAGGACTCTAATTTCTTGG-3'
Protein context (NP_009225.1, residues 1216-1236): LSSEDEELPC[Phe1226Ser]QHLLFGKVNN